The following is an entry in ClinVar:

ClinVar aggregate classification (germline): Uncertain significance (1 of 4 stars; one submission).

Conditions:
Saldino-Mainzer syndrome (SRTD9). Also called: Renal dysplasia, retinal pigmentary dystrophy, cerebellar ataxia and skeletal dysplasia; CONORENAL SYNDROME; short-rib thoracic dysplasia 9 with or without polydactyly; SHORT-RIB THORACIC DYSPLASIA 9 WITHOUT POLYDACTYLY. Identifiers: Orphanet 140969, MedGen C1849437, MONDO:0009964, OMIM 266920.

Allele frequency attached by ClinVar (database versions not stated): gnomAD exomes 0.00001.
gnomAD v4.1: 3 of 1,613,778 alleles (0.00019%); highest among the groups gnomAD compares: East Asian, 0.0067%; no homozygotes.

Submission:

Labcorp Genetics (formerly Invitae), Labcorp
Classification: Uncertain significance for Saldino-Mainzer syndrome. Last evaluated: 2022-05-22. Review status: criteria provided, single submitter. Criteria: Invitae Variant Classification Sherloc (09022015). Collection method: clinical testing. Allele origin: germline.
Comment: In summary, the available evidence is currently insufficient to determine the role of this variant in disease. Therefore, it has been classified as a Variant of Uncertain Significance. Algorithms developed to predict the effect of sequence changes on RNA splicing suggest that this variant may create or strengthen a splice site. This variant has not been reported in the literature in individuals affected with IFT140-related conditions. The frequency data for this variant in the population databases is considered unreliable, as metrics indicate poor data quality at this position in the gnomAD database. This sequence change affects codon 288 of the IFT140 mRNA. It is a 'silent' change, meaning that it does not change the encoded amino acid sequence of the IFT140 protein.

NM_014714.4(IFT140):c.864C>T (p.Gly288=)

Genes: IFT140 (intraflagellar transport 140; minus strand), LOC105371046 (uncharacterized LOC105371046; plus strand). Cytogenetic location: 16p13.3.
Variant type: single nucleotide variant.
Coding change: c.864C>T on transcript NM_014714.4 (MANE Select); coding-DNA position 864, C replaced by T.
Protein change: p.Gly288=; no amino-acid change (glycine 288 retained).
Molecular consequence: synonymous variant.
Genome position (GRCh38, 1-based): chr16:1,587,971, G>A on the plus strand (C>T on the coding strand, the complement: IFT140 is on the minus strand). VCF-style: chr16-1587971-G-A. GRCh37 (hg19) VCF-style: chr16-1637972-G-A.
Identifiers: ClinVar variation 1982454 (VCV001982454.4), dbSNP rs543424977, ClinGen allele CA7814528.